The following is an entry in ClinVar:

ClinVar aggregate classification (germline): Uncertain significance (1 of 4 stars; one submission).

Allele frequency attached by ClinVar (database versions not stated): gnomAD exomes below 0.00001; TOPMed below 0.00001.
gnomAD v4.1: 5 of 1,589,886 alleles (0.00031%); highest among the groups gnomAD compares: Non-Finnish European, 0.00043%; no homozygotes.

Submission:

Labcorp Genetics (formerly Invitae), Labcorp
Classification: Uncertain significance. Last evaluated: 2023-06-16. Review status: criteria provided, single submitter. Criteria: Invitae Variant Classification Sherloc (09022015). Collection method: clinical testing. Allele origin: germline.
Comment: Advanced modeling of protein sequence and biophysical properties (such as structural, functional, and spatial information, amino acid conservation, physicochemical variation, residue mobility, and thermodynamic stability) performed at Invitae indicates that this missense variant is expected to disrupt COL9A2 protein function. In summary, the available evidence is currently insufficient to determine the role of this variant in disease. Therefore, it has been classified as a Variant of Uncertain Significance. The frequency data for this variant in the population databases is considered unreliable, as metrics indicate poor data quality at this position in the gnomAD database. This variant has not been reported in the literature in individuals affected with COL9A2-related conditions. This sequence change replaces glycine, which is neutral and non-polar, with serine, which is neutral and polar, at codon 412 of the COL9A2 protein (p.Gly412Ser).

NM_001852.4(COL9A2):c.1234G>A (p.Gly412Ser)

Gene: COL9A2 (collagen type IX alpha 2 chain; minus strand). Cytogenetic location: 1p34.2.
Variant type: single nucleotide variant.
Coding change: c.1234G>A on transcript NM_001852.4 (MANE Select); coding-DNA position 1234, G replaced by A.
Protein change: p.Gly412Ser; replaces glycine 412 with serine.
Molecular consequence: missense variant.
Genome position (GRCh38, 1-based): chr1:40,304,373, C>T on the plus strand (G>A on the coding strand, the complement: COL9A2 is on the minus strand). VCF-style: chr1-40304373-C-T. GRCh37 (hg19) VCF-style: chr1-40770045-C-T.
Other names: short protein forms G412S.
Identifiers: ClinVar variation 2878388 (VCV002878388.3), dbSNP rs1386707668, ClinGen allele CA339881467.